The following is an entry in ClinVar:

ClinVar aggregate classification (germline): Uncertain significance (1 of 4 stars; one submission).

Submission:

Labcorp Genetics (formerly Invitae), Labcorp
Classification: Uncertain significance. Last evaluated: 2025-10-21. Review status: criteria provided, single submitter. Criteria: Invitae Variant Classification Sherloc (09022015). Collection method: clinical testing. Allele origin: germline.
Comment: This sequence change replaces glutamic acid, which is acidic and polar, with lysine, which is basic and polar, at codon 261 of the LRRC10 protein (p.Glu261Lys). This variant is present in population databases (rs569110295, gnomAD 0.006%). This variant has not been reported in the literature in individuals affected with LRRC10-related conditions. An algorithm developed to predict the effect of missense changes on protein structure and function (PolyPhen-2) suggests that this variant is likely to be tolerated. In summary, the available evidence is currently insufficient to determine the role of this variant in disease. Therefore, it has been classified as a Variant of Uncertain Significance.

NM_201550.4(LRRC10):c.781G>A (p.Glu261Lys)

Gene: LRRC10 (leucine rich repeat containing 10; minus strand). Cytogenetic location: 12q15.
Variant type: single nucleotide variant.
Coding change: c.781G>A on transcript NM_201550.4 (MANE Select); coding-DNA position 781, G replaced by A.
Protein change: p.Glu261Lys; replaces glutamic acid 261 with lysine.
Molecular consequence: missense variant.
Genome position (GRCh38, 1-based): chr12:69,610,058, C>T on the plus strand (G>A on the coding strand, the complement: LRRC10 is on the minus strand). VCF-style: chr12-69610058-C-T. GRCh37 (hg19) VCF-style: chr12-70003838-C-T.
Other names: short protein forms E261K.
Identifiers: ClinVar variation 4793395 (VCV004793395.1).
Genomic context (GRCh38, chr12:69,610,058, plus strand): 5'-AAGCTCCTCAGGAGTTGGTAGGAGGAAGTAGAGGGACTGGTGCCTGTAGCTCCTGGCTTT[C>T]CTCTCTGACCAACGCATAGCGCCTGGCTTTTCTAGGGTCGGGCTCTGGCGTCTCCTCTGC-3'
Protein context (NP_963844.2, residues 251-271): KARRYALVRE[Glu261Lys]SQELQAPVPL